The following is an entry in ClinVar:

NM_006563.5(KLF1):c.*296G>A

Gene: KLF1 (KLF transcription factor 1; minus strand). Cytogenetic location: 19p13.13.
Variant type: single nucleotide variant.
Coding change: c.*296G>A on transcript NM_006563.5 (MANE Select); 296 bases downstream of the stop codon, G replaced by A.
Molecular consequence: 3 prime UTR variant.
Genome position (GRCh38, 1-based): chr19:12,884,589, C>T on the plus strand (G>A on the coding strand, the complement: KLF1 is on the minus strand). VCF-style: chr19-12884589-C-T. GRCh37 (hg19) VCF-style: chr19-12995403-C-T.
Identifiers: ClinVar variation 328306 (VCV000328306.8), dbSNP rs16978754, ClinGen allele CA10642337.

ClinVar aggregate classification (germline): Benign. Review status: criteria provided, multiple submitters, no conflicts (2 of 4 stars). 3 submissions from 3 submitters: Benign (3). Last evaluated 2021-06-20.

Conditions:
Anemia, congenital dyserythropoietic, type IVa. Also called: Congenital dyserythropoietic anemia type 4; Congenital dyserythropoietic anemia, type IV; CDA, TYPE IVa. Identifiers: Orphanet 293825, MedGen C3150926, MONDO:0013355, OMIM 613673.

Allele frequency attached by ClinVar (database versions not stated): gnomAD 0.05144 and 0.05553; 1000 Genomes Project 0.05591; TOPMed 0.05802; gnomAD exomes 0.00635; 1000 Genomes Project 30x 0.06059.
gnomAD v4.1: 9,874 of 467,692 alleles (2.1%); highest among the groups gnomAD compares: African/African-American, 18%; 855 homozygotes.

Submissions (3):

GeneDx
Classification: Benign. Last evaluated: 2021-06-20. Review status: criteria provided, single submitter. Criteria: GeneDx Variant Classification Process June 2021. Collection method: clinical testing. Allele origin: germline. Affected: yes.

Illumina Laboratory Services, Illumina
Classification: Benign for Anemia, congenital dyserythropoietic, type IVa. Last evaluated: 2018-01-13. Review status: criteria provided, single submitter. Criteria: ICSL Variant Classification Criteria 13 December 2019. Collection method: clinical testing. Allele origin: germline.
Comment: This variant was observed in the ICSL laboratory as part of a predisposition screen in an ostensibly healthy population. It had not been previously curated by ICSL or reported in the Human Gene Mutation Database (HGMD: prior to June 1st, 2018), and was therefore a candidate for classification through an automated scoring system. Utilizing variant allele frequency, disease prevalence and penetrance estimates, and inheritance mode, an automated score was calculated to assess if this variant is too frequent to cause the disease. Based on the score and internal cut-off values, a variant classified as benign is not then subjected to further curation. The score for this variant resulted in a classification of benign for this disease.

Breakthrough Genomics
Classification: Benign. Review status: criteria provided, single submitter. Criteria: ACMG Guidelines, 2015. Collection method: not provided. Allele origin: germline. Inheritance: Autosomal dominant inheritance. Affected: yes.